The following is an entry in ClinVar:

NM_020779.4(WDR35):c.3026C>T (p.Thr1009Ile)

Gene: WDR35 (WD repeat domain 35; minus strand). Cytogenetic location: 2p24.1.
Variant type: single nucleotide variant.
Coding change: c.3026C>T on transcript NM_020779.4 (MANE Select); coding-DNA position 3026, C replaced by T.
Protein change: p.Thr1009Ile; replaces threonine 1009 with isoleucine.
Molecular consequence: missense variant.
Genome position (GRCh38, 1-based): chr2:19,930,491, G>A on the plus strand (C>T on the coding strand, the complement: WDR35 is on the minus strand). VCF-style: chr2-19930491-G-A. GRCh37 (hg19) VCF-style: chr2-20130252-G-A.
Other names: c.3059C>T, p.Thr1020Ile (NM_001006657.2); short protein forms T1009I, T1020I.
Identifiers: ClinVar variation 1358516 (VCV001358516.8), dbSNP rs201153804, ClinGen allele CA345941650.
Genomic context (GRCh38, chr2:19,930,491, plus strand): 5'-AGCTGCCTCTGTGCAAGTATAAAGAAGTGGTAAGCCTCTGCCCCTCTCCATGCATTATCT[G>A]TGAAACGATCTGTTGTAGACAGAACTTCTTCTTCCAGCAAACCAGCCAAGGCAGAAGTGG-3'
Protein context (NP_065830.2, residues 999-1019): EEVLSTTDRF[Thr1009Ile]DNAWRGAEAY

ClinVar aggregate classification (germline): Uncertain significance (1 of 4 stars; one submission).

Conditions:
Cranioectodermal dysplasia 2 (CED2). Identifiers: Orphanet 1515, MedGen C3150874, MONDO:0013323, OMIM 613610.
Short-rib thoracic dysplasia 7 with or without polydactyly (SRTD7). Also called: Short rib polydactyly syndrome 5; SHORT-RIB THORACIC DYSPLASIA 7 WITH POLYDACTYLY. Identifiers: Orphanet 498497, Orphanet 93271, MedGen C3279792, MONDO:0013569, OMIM 614091.

gnomAD v4.1: 3 of 1,614,150 alleles (0.00019%); highest among the groups gnomAD compares: Non-Finnish European, 0.00025%; no homozygotes.

Submission:

Labcorp Genetics (formerly Invitae), Labcorp
Classification: Uncertain significance for Cranioectodermal dysplasia 2; Short-rib thoracic dysplasia 7 with or without polydactyly. Last evaluated: 2023-07-10. Review status: criteria provided, single submitter. Criteria: Invitae Variant Classification Sherloc (09022015). Collection method: clinical testing. Allele origin: germline.
Comment: This sequence change replaces threonine, which is neutral and polar, with isoleucine, which is neutral and non-polar, at codon 1020 of the WDR35 protein (p.Thr1020Ile). This variant is not present in population databases (gnomAD no frequency). This variant has not been reported in the literature in individuals affected with WDR35-related conditions. ClinVar contains an entry for this variant (Variation ID: 1358516). Advanced modeling of protein sequence and biophysical properties (such as structural, functional, and spatial information, amino acid conservation, physicochemical variation, residue mobility, and thermodynamic stability) performed at Invitae indicates that this missense variant is not expected to disrupt WDR35 protein function. In summary, the available evidence is currently insufficient to determine the role of this variant in disease. Therefore, it has been classified as a Variant of Uncertain Significance.